The following is an entry in ClinVar:

NM_001004334.4(GPR179):c.2545A>C (p.Lys849Gln)

Gene: GPR179 (G protein-coupled receptor 179; minus strand). Cytogenetic location: 17q12.
Variant type: single nucleotide variant.
Coding change: c.2545A>C on transcript NM_001004334.4 (MANE Select); coding-DNA position 2545, A replaced by C.
Protein change: p.Lys849Gln; replaces lysine 849 with glutamine.
Molecular consequence: missense variant.
Genome position (GRCh38, 1-based): chr17:38,331,024, T>G on the plus strand (A>C on the coding strand, the complement: GPR179 is on the minus strand). VCF-style: chr17-38331024-T-G. GRCh37 (hg19) VCF-style: chr17-36486907-T-G.
Other names: short protein forms K849Q.
Identifiers: ClinVar variation 1504141 (VCV001504141.8), dbSNP rs2144263692, ClinGen allele CA398882987.

ClinVar aggregate classification (germline): Uncertain significance (1 of 4 stars; one submission).

Submission:

Labcorp Genetics (formerly Invitae), Labcorp
Classification: Uncertain significance. Last evaluated: 2022-09-07. Review status: criteria provided, single submitter. Criteria: Invitae Variant Classification Sherloc (09022015). Collection method: clinical testing. Allele origin: germline.
Comment: This variant has not been reported in the literature in individuals affected with GPR179-related conditions. In summary, the available evidence is currently insufficient to determine the role of this variant in disease. Therefore, it has been classified as a Variant of Uncertain Significance. Algorithms developed to predict the effect of missense changes on protein structure and function (SIFT, PolyPhen-2, Align-GVGD) all suggest that this variant is likely to be tolerated. ClinVar contains an entry for this variant (Variation ID: 1504141). This variant is not present in population databases (gnomAD no frequency). This sequence change replaces lysine, which is basic and polar, with glutamine, which is neutral and polar, at codon 849 of the GPR179 protein (p.Lys849Gln).